The following is an entry in ClinVar:

ClinVar aggregate classification (germline): Uncertain significance (1 of 4 stars; one submission).

Conditions:
ARHGAP31-related disorder. Also called: ARHGAP31-related condition.

Submission:

PreventionGenetics, part of Exact Sciences
Classification: Uncertain significance for ARHGAP31-related condition. Last evaluated: 2026-08-03. Review status: criteria provided, single submitter. Criteria: ACMG Guidelines, 2015. Collection method: clinical testing. Allele origin: germline.
Comment: The ARHGAP31 c.451C>T variant is predicted to result in premature protein termination (p.Arg151*). To our knowledge, this variant has not been reported in the literature. This variant was not reported in gnomAD v2. However, in gnomAD v4 (available only on GRCh38), this variant is reported in 7 alleles in a subpopulation. Other truncating variants in ARHGAP31 (c.336T>A, c.3640C>T) have been reported in individuals with autism spectrum disorder (Supplementary Table 17, Wilfert et al. 2021. PubMed ID: 34312540); however, this gene's association with autism is not fully established. Although we suspect that this variant may be pathogenic, at this time, the clinical significance of this variant is uncertain due to the absence of conclusive functional and genetic evidence.

NM_020754.4(ARHGAP31):c.451C>T (p.Arg151Ter)

Gene: ARHGAP31 (Rho GTPase activating protein 31; plus strand). Cytogenetic location: 3q13.33.
Variant type: single nucleotide variant.
Coding change: c.451C>T on transcript NM_020754.4 (MANE Select); coding-DNA position 451, C replaced by T.
Protein change: p.Arg151Ter; replaces arginine 151 with a stop codon.
Molecular consequence: nonsense.
Genome position (GRCh38, 1-based): chr3:119,382,311, C>T. VCF-style: chr3-119382311-C-T. GRCh37 (hg19) VCF-style: chr3-119101158-C-T.
Other names: short protein forms R151*.
Identifiers: ClinVar variation 4987358 (VCV004987358.1).
Genomic context (GRCh38, chr3:119,382,311, plus strand): 5'-CACTGAAGTTTCTTACTTTGTCAAAAAACAAACCATTCTAGGACCTTGGAATACCTGATT[C>T]GACACCTGGCCCATATCGCCTCCTTCAGCAGCAAGACCAACATGCACGCCCGGAACCTGG-3'